The following is an entry in ClinVar:

ClinVar aggregate classification (germline): Likely pathogenic. Review status: criteria provided, single submitter (1 of 4 stars). 2 submissions from 2 submitters: Likely pathogenic (1). 1 of the submissions does not count toward it. Last evaluated 2021-02-16.

Conditions:
Ehlers-Danlos syndrome, type 4 (EDSVASC). Also called: Ehlers-Danlos syndrome vascular type; Ehlers Danlos syndrome, ecchymotic type; Ehlers Danlos syndrome, arterial type; Ehlers Danlos syndrome, Sack-Barabas type; Ehlers-Danlos Syndrome Type IV. Identifiers: Orphanet 286, MedGen C0268338, MONDO:0017314, OMIM 130050.

Submissions (2):

Labcorp Genetics (formerly Invitae), Labcorp
Classification: Likely pathogenic for Ehlers-Danlos syndrome, type 4. Last evaluated: 2021-02-16. Review status: criteria provided, single submitter. Criteria: Invitae Variant Classification Sherloc (09022015). Collection method: clinical testing. Allele origin: germline.
Comment: In summary, the currently available evidence indicates that the variant is pathogenic, but additional data are needed to prove that conclusively. Therefore, this variant has been classified as Likely Pathogenic. This variant disrupts the triple helix domain of COL3A1. Glycine residues within the Gly-Xaa-Yaa repeats of the triple helix domain are required for the structure and stability of fibrillar collagens (PMID: 7695699, 8218237, 19344236). In COL3A1, variants that affect these glycine residues are significantly enriched in individuals with disease (PMID: 24922459, 25758994) compared to the general population (ExAC). Algorithms developed to predict the effect of sequence changes on RNA splicing suggest that this variant may create or strengthen a splice site, but this prediction has not been confirmed by published transcriptional studies. Advanced modeling of protein sequence and biophysical properties (such as structural, functional, and spatial information, amino acid conservation, physicochemical variation, residue mobility, and thermodynamic stability) performed at Invitae indicates that this missense variant is expected to disrupt COL3A1 protein function. This variant has been observed in individual(s) with clinical features of vascular Ehlers-Danlos syndrome (PMID: 24922459, Invitae). ClinVar contains an entry for this variant (Variation ID: 101124). This variant is not present in population databases (ExAC no frequency). This sequence change replaces glycine with arginine at codon 714 of the COL3A1 protein (p.Gly714Arg). The glycine residue is highly conserved and there is a moderate physicochemical difference between glycine and arginine.

Collagen Diagnostic Laboratory, University of Washington
Classification: Pathogenic for Ehlers-Danlos syndrome, type 4. Review status: no assertion criteria provided. Collection method: clinical testing. Allele origin: germline. Affected: yes. Not counted in ClinVar's aggregate classification.

Literature cited by the submitters: PubMed 7695699 (cited by Labcorp Genetics (formerly Invitae), Labcorp); PubMed 8218237 (cited by Labcorp Genetics (formerly Invitae), Labcorp); PubMed 19344236 (cited by Labcorp Genetics (formerly Invitae), Labcorp); PubMed 24922459 (cited by Labcorp Genetics (formerly Invitae), Labcorp); PubMed 25758994 (cited by Labcorp Genetics (formerly Invitae), Labcorp).

NM_000090.4(COL3A1):c.2140G>A (p.Gly714Arg)

Gene: COL3A1 (collagen type III alpha 1 chain; plus strand). Cytogenetic location: 2q32.2.
Variant type: single nucleotide variant.
Coding change: c.2140G>A on transcript NM_000090.4 (MANE Select); coding-DNA position 2140, G replaced by A.
Protein change: p.Gly714Arg; replaces glycine 714 with arginine.
Molecular consequence: missense variant.
Genome position (GRCh38, 1-based): chr2:188,999,488, G>A. VCF-style: chr2-188999488-G-A. GRCh37 (hg19) VCF-style: chr2-189864214-G-A.
Identifiers: ClinVar variation 101124 (VCV000101124.10), dbSNP rs587779437, ClinGen allele CA005093.
Genomic context (GRCh38, chr2:188,999,488, plus strand): 5'-TGATTTCCTTCTGATCATTTATTATTTCTCACTTATTTTCAGGGTGCTGCTGGTCCTCCT[G>A]GGCCACCTGGTGCTGCTGGTACTCCTGGTCTGCAAGGAATGCCTGGAGAAAGAGGAGGTC-3'
Protein context (NP_000081.2, residues 704-724): EGGKGAAGPP[Gly714Arg]PPGAAGTPGL